The following is an entry in ClinVar:

NM_000709.4(BCKDHA):c.793C>T (p.Arg265Trp)

Gene: BCKDHA (branched chain keto acid dehydrogenase E1 subunit alpha; plus strand). Cytogenetic location: 19q13.2.
Variant type: single nucleotide variant.
Coding change: c.793C>T on transcript NM_000709.4 (MANE Select); coding-DNA position 793, C replaced by T.
Protein change: p.Arg265Trp; replaces arginine 265 with tryptophan.
Molecular consequence: missense variant.
Genome position (GRCh38, 1-based): chr19:41,422,310, C>T. VCF-style: chr19-41422310-C-T. GRCh37 (hg19) VCF-style: chr19-41928215-C-T.
Other names: R220W; c.793C>T, p.Arg265Trp (NM_001164783.2); short protein forms R265W.
Identifiers: ClinVar variation 2379 (VCV000002379.23), dbSNP rs137852873, ClinGen allele CA115512.
Genomic context (GRCh38, chr19:41,422,310, plus strand): 5'-GACGCCCATGCCGGCTTCAACTTCGCTGCCACACTTGAGTGCCCCATCATCTTCTTCTGC[C>T]GGAACAATGGCTACGCCATCTCCACGCCCACCTCTGAGCAGTATCGCGGCGATGGCATTG-3'
Protein context (NP_000700.1, residues 255-275): TLECPIIFFC[Arg265Trp]NNGYAISTPT

ClinVar aggregate classification (germline): Conflicting classifications of pathogenicity. Review status: criteria provided, conflicting classifications (1 of 4 stars). 10 submissions from 10 submitters: Pathogenic (1); Likely pathogenic (6); Uncertain significance (2). 1 of the submissions does not count toward it. Last evaluated 2026-04-06.

Conditions:
Maple syrup urine disease type 1A (MSUD1A). Also called: MSUD type 1A. Identifiers: MedGen C1855369, MONDO:0023691, OMIM 248600.
Maple syrup urine disease (MSUD). Identifiers: Orphanet 511, MedGen C0024776, MeSH D008375, MONDO:0009563. Disease mechanism: loss of function.

Allele frequency attached by ClinVar (database versions not stated): gnomAD exomes below 0.00001 and 0.00001; ExAC 0.00001; gnomAD 0.00001; TOPMed 0.00001.
gnomAD v4.1: 23 of 1,614,094 alleles (0.0014%); highest among the groups gnomAD compares: East Asian, 0.0022%; no homozygotes.

Submissions (10):

Myriad Genetics, Inc.
Classification: Uncertain significance for Maple syrup urine disease type 1A. Last evaluated: 2026-04-06. Review status: criteria provided, single submitter. Criteria: Myriad Autosomal Dominant, Autosomal Recessive and X-Linked Classification Criteria (2023). Collection method: clinical testing. Allele origin: unknown.
Comment: NM_000709.3(BCKDHA):c.793C>T(R265W) is a missense variant classified as a variant of uncertain significance in the context of maple syrup urine disease type Ia. R265W has been observed in a case with relevant disease (PMID: 9582350). Relevant functional assessments of this variant are available in the literature (PMID: 7883996). R265W has been observed in referenced population frequency databases. In summary, there is insufficient evidence to classify NM_000709.3(BCKDHA):c.793C>T(R265W) as pathogenic or benign. Please note: this variant was assessed in the context of healthy population screening.

Labcorp Genetics (formerly Invitae), Labcorp
Classification: Likely pathogenic for Maple syrup urine disease. Last evaluated: 2026-01-14. Review status: criteria provided, single submitter. Criteria: Invitae Variant Classification Sherloc (09022015). Collection method: clinical testing. Allele origin: germline.
Comment: This sequence change replaces arginine, which is basic and polar, with tryptophan, which is neutral and slightly polar, at codon 265 of the BCKDHA protein (p.Arg265Trp). This variant is present in population databases (rs137852873, gnomAD 0.005%). This missense change has been observed in individual(s) with maple syrup urine disease (PMID: 9582350). This variant is also known as R220W. ClinVar contains an entry for this variant (Variation ID: 2379). Invitae Evidence Modeling of protein sequence and biophysical properties (such as structural, functional, and spatial information, amino acid conservation, physicochemical variation, residue mobility, and thermodynamic stability) indicates that this missense variant is expected to disrupt BCKDHA protein function with a positive predictive value of 95%. Experimental studies have shown that this missense change affects BCKDHA function (PMID: 11069910). This variant disrupts the p.Arg265 amino acid residue in BCKDHA. Other variant(s) that disrupt this residue have been determined to be pathogenic (PMID: 31112740). This suggests that this residue is clinically significant, and that variants that disrupt this residue are likely to be disease-causing. In summary, the currently available evidence indicates that the variant is pathogenic, but additional data are needed to prove that conclusively. Therefore, this variant has been classified as Likely Pathogenic.

Natera, Inc.
Classification: Likely pathogenic for Maple syrup urine disease type 1A. Last evaluated: 2025-01-23. Review status: criteria provided, single submitter. Criteria: Natera Variant Classification Schema (03/2026). Collection method: clinical testing. Allele origin: germline.
Comment: The c.793C>T variant in BCKDHA is a missense variant predicted to cause substitution of arginine to tryptophan at amino acid 265. This variant is rare in the general population with a frequency below the threshold expected for the associated phenotype(s). This variant has been observed in one or more individuals affected with the associated recessive disease, as either homozygous or compound heterozygous with a second variant (PMID: 9582350). This variant has been identified in one or more affected individuals with a phenotype highly consistent with the associated gene (PMID: 9582350). Functional studies show that this variant may disrupt protein function (PMID: 11069910). A different variant at the same position has been determined to be Pathogenic or Likely Pathogenic. Computational prediction algorithms indicate this variant is likely to affect gene or protein function. Given the available evidence, this variant is classified as Likely Pathogenic.

Fulgent Genetics
Classification: Likely pathogenic for Maple syrup urine disease type 1A. Last evaluated: 2024-05-22. Review status: criteria provided, single submitter. Criteria: ACMG Guidelines, 2015. Collection method: clinical testing. Allele origin: germline.

Baylor Genetics
Classification: Likely pathogenic for Maple syrup urine disease type 1A. Last evaluated: 2024-02-15. Review status: criteria provided, single submitter. Criteria: ACMG Guidelines, 2015. Collection method: clinical testing. Allele origin: unknown.

Revvity Omics, Revvity
Classification: Likely pathogenic for Maple syrup urine disease type 1A. Last evaluated: 2023-06-13. Review status: criteria provided, single submitter. Criteria: ACMG Guidelines, 2015. Collection method: clinical testing. Allele origin: germline.

Genome-Nilou Lab
Classification: Likely pathogenic for Maple syrup urine disease type 1A. Last evaluated: 2021-11-07. Review status: criteria provided, single submitter. Criteria: ACMG Guidelines, 2015. Collection method: clinical testing. Allele origin: germline. Affected: no.

Eurofins Ntd Llc (ga)
Classification: Uncertain significance. Last evaluated: 2017-03-08. Review status: criteria provided, single submitter. Criteria: EGL Classification Definitions 2015. Collection method: clinical testing. Allele origin: germline. Observed: 1 variant allele, 1 heterozygote.

GeneDx
Classification: Pathogenic. Last evaluated: 2016-09-12. Review status: criteria provided, single submitter. Criteria: GeneDx Variant Classification (06012015). Collection method: clinical testing. Allele origin: germline. Affected: yes.
Comment: The R265W variant in the BCKDHA gene has previously been reported as R220W in association with maple syrup urine disease (MSUD) (Chuang et al., 1995). Functional analysis of R265W found that it is associated with no detectable enzyme activity compared to wildtype (Wynn et al., 1998; Wynn et al., 2001). Therefore, we interpret R265W to be a pathogenic variant.

OMIM
Classification: Pathogenic for MAPLE SYRUP URINE DISEASE, TYPE IA. Last evaluated: 1998-05-22. Review status: no assertion criteria provided. Collection method: literature only. Allele origin: germline. Not counted in ClinVar's aggregate classification.

Literature cited by the submitters: PubMed 7883996 (cited by Myriad Genetics, Inc.); PubMed 9582350 (cited by 4 submitters); PubMed 11069910 (cited by Labcorp Genetics (formerly Invitae), Labcorp and Natera, Inc.); PubMed 31112740 (cited by Labcorp Genetics (formerly Invitae), Labcorp).